The following is an entry in ClinVar:

ClinVar aggregate classification (germline): Uncertain significance (1 of 4 stars; one submission).

Allele frequency attached by ClinVar (database versions not stated): gnomAD exomes below 0.00001.

Submission:

GeneDx
Classification: Uncertain significance. Last evaluated: 2019-02-13. Review status: criteria provided, single submitter. Criteria: GeneDx Variant Classification Process June 2021. Collection method: clinical testing. Allele origin: germline. Affected: yes.
Comment: Not observed at a significant frequency in large population cohorts (Lek et al., 2016); In silico analysis, which includes protein predictors and evolutionary conservation, supports that this variant does not alter protein structure/function; The G1953S variant has not been published as pathogenic or been reported as benign to our knowledge.

NM_001128225.3(SLC39A13):c.583G>A (p.Gly195Ser)

Gene: SLC39A13 (solute carrier family 39 member 13; plus strand). Cytogenetic location: 11p11.2.
Variant type: single nucleotide variant.
Coding change: c.583G>A on transcript NM_001128225.3 (MANE Select); coding-DNA position 583, G replaced by A.
Protein change: p.Gly195Ser; replaces glycine 195 with serine.
Molecular consequence: missense variant. On other transcripts: non-coding transcript variant (1).
Genome position (GRCh38, 1-based): chr11:47,413,445, G>A. VCF-style: chr11-47413445-G-A. GRCh37 (hg19) VCF-style: chr11-47434996-G-A.
Other names: c.583G>A, p.Gly195Ser (NM_001330245.2, NM_152264.5); short protein forms G195S.
Identifiers: ClinVar variation 1305980 (VCV001305980.2), dbSNP rs1003779948, ClinGen allele CA221689652.